The following is an entry in ClinVar:

ClinVar aggregate classification (germline): Likely benign (1 of 4 stars; one submission).

gnomAD v4.1: 6 of 152,068 alleles (0.0039%); highest among the groups gnomAD compares: Non-Finnish European, 0.0074%; no homozygotes.

Submission:

CeGaT Center for Human Genetics Tuebingen
Classification: Likely benign. Last evaluated: 2025-06-01. Review status: criteria provided, single submitter. Criteria: CeGaT Center For Human Genetics Tuebingen Variant Classification Criteria Version 2. Collection method: clinical testing. Allele origin: germline. Affected: yes. Observed: 1 variant allele.
Comment: KIF5A: BP4

NM_004984.4(KIF5A):c.2538+846G>A

Gene: KIF5A (kinesin family member 5A; plus strand). Cytogenetic location: 12q13.3.
Variant type: single nucleotide variant.
Coding change: c.2538+846G>A on transcript NM_004984.4 (MANE Select); 846 bases into the intron after coding-DNA position 2538, G replaced by A.
Molecular consequence: intron variant.
Genome position (GRCh38, 1-based): chr12:57,579,188, G>A. VCF-style: chr12-57579188-G-A. GRCh37 (hg19) VCF-style: chr12-57972971-G-A.
Other names: c.2271+846G>A (NM_001354705.2).
Identifiers: ClinVar variation 3905659 (VCV003905659.10).
Genomic context (GRCh38, chr12:57,579,188, plus strand): 5'-CTCCTGTGTATTAAGTTGCTGCCTCTCTGTCCCCCTCCTTGCTGTTGCGGTTCTTTAGGT[G>A]GATGACTGGGTTTCAAAGGTATGGGCTGGGGATGCAGAAGGGCAGTCCAAAGGAGTCAGG-3'